The following is an entry in ClinVar:

ClinVar aggregate classification (germline): Pathogenic. Review status: criteria provided, multiple submitters, no conflicts (2 of 4 stars). 2 submissions from 2 submitters: Pathogenic (2). Last evaluated 2025-03-07.

Conditions:
Primary ciliary dyskinesia. Also called: Ciliary dyskinesia. Identifiers: Orphanet 244, MedGen C0008780, MONDO:0016575, HP:0012265.

Submissions (2):

Labcorp Genetics (formerly Invitae), Labcorp
Classification: Pathogenic for Primary ciliary dyskinesia. Last evaluated: 2025-03-07. Review status: criteria provided, single submitter. Criteria: Invitae Variant Classification Sherloc (09022015). Collection method: clinical testing. Allele origin: germline.
Comment: This sequence change creates a premature translational stop signal (p.Ser407*) in the RPGR gene. It is expected to result in an absent or disrupted protein product. Loss-of-function variants in RPGR are known to be pathogenic (PMID: 16055928, 16969763). This variant is not present in population databases (gnomAD no frequency). This variant has not been reported in the literature in individuals affected with RPGR-related conditions. ClinVar contains an entry for this variant (Variation ID: 1456564). Algorithms developed to predict the effect of sequence changes on RNA splicing suggest that this variant may disrupt the consensus splice site. For these reasons, this variant has been classified as Pathogenic.

CeGaT Center for Human Genetics Tuebingen
Classification: Pathogenic. Last evaluated: 2023-05-01. Review status: criteria provided, single submitter. Criteria: CeGaT Center For Human Genetics Tuebingen Variant Classification Criteria Version 2. Collection method: clinical testing. Allele origin: germline. Affected: yes. Observed: 1 variant allele.
Comment: RPGR: PVS1, PM2

Literature cited by the submitters: PubMed 16055928 (cited by Labcorp Genetics (formerly Invitae), Labcorp); PubMed 16969763 (cited by Labcorp Genetics (formerly Invitae), Labcorp).

NM_001034853.2(RPGR):c.1220C>A (p.Ser407Ter)

Gene: RPGR (retinitis pigmentosa GTPase regulator; minus strand). Cytogenetic location: Xp11.4.
Variant type: single nucleotide variant.
Coding change: c.1220C>A on transcript NM_001034853.2 (MANE Select); coding-DNA position 1220, C replaced by A.
Protein change: p.Ser407Ter; replaces serine 407 with a stop codon.
Molecular consequence: nonsense. On other transcripts: non-coding transcript variant (6), intron variant (2).
Genome position (GRCh38, 1-based): chrX:38,298,981, G>T on the plus strand (C>A on the coding strand, the complement: RPGR is on the minus strand). VCF-style: chrX-38298981-G-T. GRCh37 (hg19) VCF-style: chrX-38158234-G-T.
Other names: c.1220C>A, p.Ser407Ter (NM_000328.3, NM_001367247.1); c.1217C>A, p.Ser406Ter (NM_001367245.1, NM_001367249.1, NM_001367250.1); c.1250C>A, p.Ser417Ter (NM_001367248.1); c.1060-1529C>A (NM_001367251.1, NM_001367246.1); short protein forms S417*, S406*, S407*.
Identifiers: ClinVar variation 1456564 (VCV001456564.39), dbSNP rs772201779, ClinGen allele CA412739752.
Genomic context (GRCh38, chrX:38,298,981, plus strand): 5'-ATAATACTATTATACAGAATAGGCCACAATTGTACCCTCTCTCTTCGCCGCATACGTGCT[G>T]ATAGAGTCCTCTGCAGTACATTTCCTGAGGTTAAACTGCTATACGGCAGAAAAGTCGCCA-3'